The following is an entry in ClinVar:

NM_024675.4(PALB2):c.2997-2A>C

Gene: PALB2 (partner and localizer of BRCA2; minus strand). Cytogenetic location: 16p12.2.
Variant type: single nucleotide variant.
Coding change: c.2997-2A>C on transcript NM_024675.4 (MANE Select); the canonical splice acceptor site of the intron before coding-DNA position 2997, A replaced by C.
Molecular consequence: splice acceptor variant. On other transcripts: intron variant (1).
Genome position (GRCh38, 1-based): chr16:23,621,480, T>G on the plus strand (A>C on the coding strand, the complement: PALB2 is on the minus strand). VCF-style: chr16-23621480-T-G. GRCh37 (hg19) VCF-style: chr16-23632801-T-G.
Other names: c.2112-2A>C (NM_001407308.1, NM_001407306.1, NM_001407309.1 and 4 more transcripts); c.531-2A>C (NM_001407314.1); c.1209-2A>C (NM_001407313.1, NM_001407312.1); c.2937-2A>C (NM_001407296.1); c.2925-2A>C (NM_001407297.1); c.2835-2A>C (NM_001407302.1, NM_001407298.1); c.2834+2529A>C (NM_001407300.1); c.2997-2A>C (NM_001407299.1, NM_001407301.1); and 1 more.
Identifiers: ClinVar variation 482065 (VCV000482065.11), dbSNP rs1555459421, ClinGen allele CA395143254.

ClinVar aggregate classification (germline): Uncertain significance. Review status: criteria provided, multiple submitters, no conflicts (2 of 4 stars). 2 submissions from 2 submitters: Uncertain significance (2). Last evaluated 2026-02-18.

Conditions:
Hereditary cancer-predisposing syndrome. Also called: Tumor predisposition; Hereditary Cancer Syndrome; Neoplastic Syndromes, Hereditary; Hereditary neoplastic syndrome. Identifiers: Orphanet 140162, MedGen C0027672, MeSH D009386, MONDO:0015356.
Familial cancer of breast. Also called: Hereditary breast cancer; BREAST CANCER, FAMILIAL; hereditary breast carcinoma. Identifiers: Orphanet 227535, MedGen C0346153, MONDO:0016419, OMIM 114480. Disease mechanism: loss of function.

Submissions (2):

Ambry Genetics
Classification: Uncertain significance for Hereditary cancer-predisposing syndrome. Last evaluated: 2026-02-18. Review status: criteria provided, single submitter. Criteria: Ambry Variant Classification Scheme 2023. Collection method: clinical testing. Allele origin: germline.
Comment: The c.2997-2A>C intronic variant results from an A to C substitution two nucleotides upstream from coding exon 10 in the PALB2 gene. This nucleotide position is highly conserved in available vertebrate species. In silico splice site analysis predicts that this alteration will weaken the native splice acceptor site and may result in the creation or strengthening of a novel splice acceptor site. RNA analyses have identified naturally occurring alternative splicing involving this exon and have led to the recommendation that, in the absence of additional evidence, alterations at this acceptor site be classified as unknown significance (Lopez-Perolio I et al. J. Med. Genet., 2019 Jul;56:453-460). Based on the available evidence, the clinical significance of this variant remains unclear.

Labcorp Genetics (formerly Invitae), Labcorp
Classification: Uncertain significance for Familial cancer of breast. Last evaluated: 2022-10-02. Review status: criteria provided, single submitter. Criteria: Invitae Variant Classification Sherloc (09022015). Collection method: clinical testing. Allele origin: germline.
Comment: This variant has not been reported in the literature in individuals affected with PALB2-related conditions. This sequence change affects an acceptor splice site in intron 9 of the PALB2 gene. It is expected to disrupt RNA splicing. Variants that disrupt the donor or acceptor splice site typically lead to a loss of protein function (PMID: 16199547), and loss-of-function variants in PALB2 are known to be pathogenic (PMID: 17200668, 17200671, 17200672, 24136930, 25099575). This variant is not present in population databases (gnomAD no frequency). ClinVar contains an entry for this variant (Variation ID: 482065). Experimental studies have shown that sequence changes at this splice site disrupt the consensus splice site and strengthen a cryptic acceptor site in exon 10, located 3 nucleotides downstream of the natural splice site. This results in an alternative transcript with an in-frame deletion of one of three consecutive glycines located in the linker region between blade 3 and blade 4, but otherwise preserves the integrity of the reading frame (PMID: 30890586). Also, this alternative transcript has been shown to occur naturally in healthy individuals (PMID: 30890586). These studies suggest that the clinical significance of this splice variant may be uncertain. In summary, the available evidence is currently insufficient to determine the role of this variant in disease. Therefore, it has been classified as a Variant of Uncertain Significance.

Literature cited by the submitters: PubMed 16199547 (cited by Labcorp Genetics (formerly Invitae), Labcorp); PubMed 17200668 (cited by Labcorp Genetics (formerly Invitae), Labcorp); PubMed 17200671 (cited by Labcorp Genetics (formerly Invitae), Labcorp); PubMed 17200672 (cited by Labcorp Genetics (formerly Invitae), Labcorp); PubMed 24136930 (cited by Labcorp Genetics (formerly Invitae), Labcorp); PubMed 25099575 (cited by Labcorp Genetics (formerly Invitae), Labcorp); PubMed 30890586 (cited by Labcorp Genetics (formerly Invitae), Labcorp).